The following is an entry in ClinVar:

NM_016333.4(SRRM2):c.6020G>A (p.Arg2007His)

Gene: SRRM2 (serine/arginine repetitive matrix 2; plus strand). Cytogenetic location: 16p13.3.
Variant type: single nucleotide variant.
Coding change: c.6020G>A on transcript NM_016333.4 (MANE Select); coding-DNA position 6020, G replaced by A.
Protein change: p.Arg2007His; replaces arginine 2007 with histidine.
Molecular consequence: missense variant.
Genome position (GRCh38, 1-based): chr16:2,766,548, G>A. VCF-style: chr16-2766548-G-A. GRCh37 (hg19) VCF-style: chr16-2816549-G-A.
Other names: short protein forms R2007H.
Identifiers: ClinVar variation 3170169 (VCV003170169.8), dbSNP rs199749070, ClinGen allele CA7848675.
Genomic context (GRCh38, chr16:2,766,548, plus strand): 5'-CTCCGGTCACCCGAAGGAGATCTCGATCTCGCACATCTCCAGTAACTCGAAGAAGGTCCC[G>A]CTCTCGAACCTCACCAGTGACACGCCGCCGCTCTAGGTCCCGGACACCTCCAGCTATTCG-3'
Protein context (NP_057417.3, residues 1997-2017): RTSPVTRRRS[Arg2007His]SRTSPVTRRR

ClinVar aggregate classification (germline): Conflicting classifications of pathogenicity. Review status: criteria provided, conflicting classifications (1 of 4 stars). 2 submissions from 2 submitters: Uncertain significance (1); Likely benign (1). Last evaluated 2025-03-01.

Conditions:
Inborn genetic diseases. Identifiers: MedGen C0950123, MeSH D030342.

Allele frequency attached by ClinVar (database versions not stated): gnomAD 0.00005; TOPMed 0.00007.
gnomAD v4.1: 128 of 1,613,558 alleles (0.0079%); highest among the groups gnomAD compares: Admixed American, 0.017%; no homozygotes.

Submissions (2):

CeGaT Center for Human Genetics Tuebingen
Classification: Likely benign. Last evaluated: 2025-03-01. Review status: criteria provided, single submitter. Criteria: CeGaT Center For Human Genetics Tuebingen Variant Classification Criteria Version 2. Collection method: clinical testing. Allele origin: germline. Affected: yes. Observed: 1 variant allele.
Comment: SRRM2: BS1

Ambry Genetics
Classification: Uncertain significance for Inborn genetic diseases. Last evaluated: 2024-01-03. Review status: criteria provided, single submitter. Criteria: Ambry Variant Classification Scheme 2023. Collection method: clinical testing. Allele origin: germline.